The following is an entry in ClinVar:

NM_024915.4(GRHL2):c.527G>A (p.Arg176Gln)

Gene: GRHL2 (grainyhead like transcription factor 2; plus strand). Cytogenetic location: 8q22.3.
Variant type: single nucleotide variant.
Coding change: c.527G>A on transcript NM_024915.4 (MANE Select); coding-DNA position 527, G replaced by A.
Protein change: p.Arg176Gln; replaces arginine 176 with glutamine.
Molecular consequence: missense variant.
Genome position (GRCh38, 1-based): chr8:101,558,661, G>A. VCF-style: chr8-101558661-G-A. GRCh37 (hg19) VCF-style: chr8-102570889-G-A.
Other names: c.479G>A, p.Arg160Gln (NM_001330593.2); short protein forms R176Q, R160Q.
Identifiers: ClinVar variation 3102290 (VCV003102290.2), dbSNP rs772933548, ClinGen allele CA4830312.
Genomic context (GRCh38, chr8:101,558,661, plus strand): 5'-CGGTGGTGAAAGCTGAAGATTTCACACCAGTTTTCATGGCCCCACCTGTGCACTATCCCC[G>A]GGGAGATGGGGAAGAGCAACGAGTGGTTATCTTTGAACAGACTCAGTATGACGTGCCCTC-3'
Protein context (NP_079191.2, residues 166-186): VFMAPPVHYP[Arg176Gln]GDGEEQRVVI

ClinVar aggregate classification (germline): Uncertain significance. Review status: criteria provided, multiple submitters, no conflicts (2 of 4 stars). 2 submissions from 2 submitters: Uncertain significance (2). Last evaluated 2026-04-16.

Conditions:
Inborn genetic diseases. Identifiers: MedGen C0950123, MeSH D030342.

Allele frequency attached by ClinVar (database versions not stated): ExAC 0.00001; TOPMed 0.00002; gnomAD 0.00001; gnomAD exomes 0.00001.
gnomAD v4.1: 21 of 1,613,968 alleles (0.0013%); highest among the groups gnomAD compares: East Asian, 0.0022%; no homozygotes.

Submissions (2):

GeneDx
Classification: Uncertain significance. Last evaluated: 2026-04-16. Review status: criteria provided, single submitter. Criteria: GeneDx Variant Classification Process June 2021. Collection method: clinical testing. Allele origin: germline.
Comment: In silico analysis suggests that this missense variant does not alter protein structure/function; Has not been previously published as pathogenic or benign to our knowledge

Ambry Genetics
Classification: Uncertain significance for Inborn genetic diseases. Last evaluated: 2023-10-16. Review status: criteria provided, single submitter. Criteria: Ambry Variant Classification Scheme 2023. Collection method: clinical testing. Allele origin: germline.